The following is an entry in ClinVar:

NM_021222.3(PRUNE1):c.1297G>A (p.Val433Ile)

Gene: PRUNE1 (prune exopolyphosphatase 1; plus strand). Cytogenetic location: 1q21.3.
Variant type: single nucleotide variant.
Coding change: c.1297G>A on transcript NM_021222.3 (MANE Select); coding-DNA position 1297, G replaced by A.
Protein change: p.Val433Ile; replaces valine 433 with isoleucine.
Molecular consequence: missense variant. On other transcripts: non-coding transcript variant (4).
Genome position (GRCh38, 1-based): chr1:151,034,169, G>A. VCF-style: chr1-151034169-G-A. GRCh37 (hg19) VCF-style: chr1-151006645-G-A.
Other names: c.751G>A, p.Val251Ile (NM_001303229.2); c.1138G>A, p.Val380Ile (NM_001303242.2); c.694G>A, p.Val232Ile (NM_001303243.2); short protein forms V232I, V251I, V380I, V433I.
Identifiers: ClinVar variation 2050948 (VCV002050948.4), dbSNP rs373152187, ClinGen allele CA1083993.

ClinVar aggregate classification (germline): Uncertain significance (1 of 4 stars; one submission).

Allele frequency attached by ClinVar (database versions not stated): gnomAD 0.00004; gnomAD exomes 0.00004; TOPMed 0.00005; ExAC 0.00007; ESP Exome Variant Server 0.00008.
gnomAD v4.1: 57 of 1,614,014 alleles (0.0035%); highest among the groups gnomAD compares: Non-Finnish European, 0.0043%; 1 homozygote.

Submission:

Labcorp Genetics (formerly Invitae), Labcorp
Classification: Uncertain significance. Last evaluated: 2026-01-27. Review status: criteria provided, single submitter. Criteria: Invitae Variant Classification Sherloc (09022015). Collection method: clinical testing. Allele origin: germline.
Comment: This sequence change replaces valine, which is neutral and non-polar, with isoleucine, which is neutral and non-polar, at codon 433 of the PRUNE1 protein (p.Val433Ile). This variant is present in population databases (rs373152187, gnomAD 0.009%). This variant has not been reported in the literature in individuals affected with PRUNE1-related conditions. ClinVar contains an entry for this variant (Variation ID: 2050948). An algorithm developed to predict the effect of missense changes on protein structure and function outputs the following: PolyPhen-2: "Benign". The isoleucine amino acid residue is found in multiple mammalian species, which suggests that this missense change does not adversely affect protein function. In summary, the available evidence is currently insufficient to determine the role of this variant in disease. Therefore, it has been classified as a Variant of Uncertain Significance.